The following is an entry in ClinVar:

ClinVar aggregate classification (germline): Likely pathogenic (1 of 4 stars; one submission).

Conditions:
Polycystic kidney disease, adult type (PKD1). Also called: POLYCYSTIC KIDNEY DISEASE 1 WITH OR WITHOUT POLYCYSTIC LIVER DISEASE; POLYCYSTIC KIDNEY DISEASE, ADULT, TYPE I; Polycystic Kidney Disease 1, Autosomal Dominant; Polycystic kidney disease 1; Polycystic kidney disease 1, severe; Polycystic Kidney, Autosomal Dominant. Identifiers: MedGen C3149841, MONDO:0008263, OMIM 173900.

Submission:

Department of Clinical Genetics, Copenhagen University Hospital, Rigshospitalet
Classification: Likely pathogenic for Polycystic kidney disease, adult type. Last evaluated: 2025-05-05. Review status: criteria provided, single submitter. Criteria: ACMG Guidelines, 2015. Collection method: clinical testing. Allele origin: germline.
Comment: PVS1_VSt, PM2_Sup

NM_001009944.3(PKD1):c.8792-2A>C

Gene: PKD1 (polycystin 1, transient receptor potential channel interacting; minus strand). Cytogenetic location: 16p13.3.
Variant type: single nucleotide variant.
Coding change: c.8792-2A>C on transcript NM_001009944.3 (MANE Select); the canonical splice acceptor site of the intron before coding-DNA position 8792, A replaced by C.
Molecular consequence: splice acceptor variant.
Genome position (GRCh38, 1-based): chr16:2,102,972, T>G on the plus strand (A>C on the coding strand, the complement: PKD1 is on the minus strand). VCF-style: chr16-2102972-T-G. GRCh37 (hg19) VCF-style: chr16-2152973-T-G.
Other names: c.8792-2A>C (NM_000296.4).
Identifiers: ClinVar variation 3899288 (VCV003899288.1).